The following is an entry in ClinVar:

NM_006269.2(RP1):c.2541G>C (p.Leu847Phe)

Gene: RP1 (RP1 axonemal microtubule associated; plus strand). Cytogenetic location: 8q12.1.
Variant type: single nucleotide variant.
Coding change: c.2541G>C on transcript NM_006269.2 (MANE Select); coding-DNA position 2541, G replaced by C.
Protein change: p.Leu847Phe; replaces leucine 847 with phenylalanine.
Molecular consequence: missense variant. On other transcripts: intron variant (1).
Genome position (GRCh38, 1-based): chr8:54,626,423, G>C. VCF-style: chr8-54626423-G-C. GRCh37 (hg19) VCF-style: chr8-55538983-G-C.
Other names: c.787+4135G>C (NM_001375654.1); short protein forms L847F.
Identifiers: ClinVar variation 4994925 (VCV004994925.1).

ClinVar aggregate classification (germline): Uncertain significance (1 of 4 stars; one submission).

Conditions:
RP1-related disorder. Also called: RP1-related condition.

Submission:

PreventionGenetics, part of Exact Sciences
Classification: Uncertain significance for RP1-related condition. Last evaluated: 2026-03-19. Review status: criteria provided, single submitter. Criteria: ACMG Guidelines, 2015. Collection method: clinical testing. Allele origin: germline.
Comment: The RP1 c.2541G>C variant is predicted to result in the amino acid substitution p.Leu847Phe. To our knowledge, this variant has not been reported in the literature or in a large population database (gnomAD), indicating this variant is rare. At this time, the clinical significance of this variant is uncertain due to the absence of conclusive functional and genetic evidence.